The following is an entry in ClinVar:

ClinVar aggregate classification (germline): Uncertain significance. Review status: criteria provided, multiple submitters, no conflicts (2 of 4 stars). 2 submissions from 2 submitters: Uncertain significance (2). Last evaluated 2023-02-21.

Conditions:
Osteogenesis imperfecta type 6. Also called: Osteogenesis imperfecta, type VI. Identifiers: Orphanet 666, MedGen C3279564, MONDO:0013515, OMIM 613982.

Allele frequency attached by ClinVar (database versions not stated): ExAC 0.00003; gnomAD exomes 0.00004; TOPMed 0.00006; gnomAD 0.00007 and 0.00008.

Submissions (2):

ARUP Laboratories, Molecular Genetics and Genomics, ARUP Laboratories
Classification: Uncertain significance for Osteogenesis imperfecta type 6. Last evaluated: 2023-02-21. Review status: criteria provided, single submitter. Criteria: ARUP Molecular Germline Variant Investigation Process 2024. Collection method: clinical testing. Allele origin: germline.
Comment: The SERPINF1 c.970G>A; p.Glu324Lys variant (rs781432190), to our knowledge, is not reported in the medical literature but is reported in ClinVar (Variation ID: 890119). This variant is found in the South Asian population with an allele frequency of 0.03% (8/30616 alleles, including 1 homozygote) in the Genome Aggregation Database. Computational analyses predict that this variant is neutral (REVEL: 0.128). Due to limited information, the clinical significance of this variant is uncertain at this time.

Illumina Laboratory Services, Illumina
Classification: Uncertain significance for Osteogenesis imperfecta type 6. Last evaluated: 2018-01-13. Review status: criteria provided, single submitter. Criteria: ICSL Variant Classification Criteria 13 December 2019. Collection method: clinical testing. Allele origin: germline.

NM_002615.7(SERPINF1):c.970G>A (p.Glu324Lys)

Gene: SERPINF1 (serpin family F member 1; plus strand). Cytogenetic location: 17p13.3.
Variant type: single nucleotide variant.
Coding change: c.970G>A on transcript NM_002615.7 (MANE Select); coding-DNA position 970, G replaced by A.
Protein change: p.Glu324Lys; replaces glutamic acid 324 with lysine.
Molecular consequence: missense variant.
Genome position (GRCh38, 1-based): chr17:1,776,715, G>A. VCF-style: chr17-1776715-G-A. GRCh37 (hg19) VCF-style: chr17-1680009-G-A.
Other names: c.970G>A, p.Glu324Lys (NM_001329903.2); c.409G>A, p.Glu137Lys (NM_001329904.2, NM_001329905.2); short protein forms E324K, E137K.
Identifiers: ClinVar variation 890119 (VCV000890119.5), dbSNP rs781432190, ClinGen allele CA8274900.
Genomic context (GRCh38, chr17:1,776,715, plus strand): 5'-GAACTGAAGACCGTGCAGGCGGTCCTCACTGTCCCCAAGCTGAAGCTGAGTTATGAAGGC[G>A]AAGTCACCAAGTCCCTGCAGGAGATGAGTATGTCTGAAGACCCTTTCGCTCTTGGTGGGT-3'
Protein context (NP_002606.3, residues 314-334): VPKLKLSYEG[Glu324Lys]VTKSLQEMKL